The following is an entry in ClinVar:

NM_007055.4(POLR3A):c.2993G>A (p.Arg998His)

Gene: POLR3A (RNA polymerase III subunit A; minus strand). Cytogenetic location: 10q22.3.
Variant type: single nucleotide variant.
Coding change: c.2993G>A on transcript NM_007055.4 (MANE Select); coding-DNA position 2993, G replaced by A.
Protein change: p.Arg998His; replaces arginine 998 with histidine.
Molecular consequence: missense variant.
Genome position (GRCh38, 1-based): chr10:77,985,981, C>T on the plus strand (G>A on the coding strand, the complement: POLR3A is on the minus strand). VCF-style: chr10-77985981-C-T. GRCh37 (hg19) VCF-style: chr10-79745739-C-T.
Other names: p.Arg998His; short protein forms R998H.
Identifiers: ClinVar variation 880127 (VCV000880127.33), dbSNP rs139665002, ClinGen allele CA5570951.

ClinVar aggregate classification (germline): Uncertain significance. Review status: criteria provided, multiple submitters, no conflicts (2 of 4 stars). 5 submissions from 5 submitters: Uncertain significance (5). Last evaluated 2026-08-01.

Conditions:
Leukodystrophy, hypomyelinating, 7, with or without oligodontia and/or hypogonadotropic hypogonadism (HLD7). Also called: LEUKOENCEPHALOPATHY, HYPOMYELINATING, WITH ATAXIA AND DELAYED DENTITION; ATAXIA, DELAYED DENTITION, AND HYPOMYELINATION; LEUKODYSTROPHY, HYPOMYELINATING, 7, WITH OLIGODONTIA; LEUKODYSTROPHY, HYPOMYELINATING, 7, WITH OLIGODONTIA AND HYPOGONADOTROPIC HYPOGONADISM; LEUKODYSTROPHY, HYPOMYELINATING, 7, WITHOUT OLIGODONTIA OR HYPOGONADOTROPIC HYPOGONADISM; Ataxia, Delayed Dentition and Hypomyelination (ADDH). Identifiers: Orphanet 137639, Orphanet 447893, Orphanet 447896, Orphanet 77295, Orphanet 88637, MedGen CN034185, MONDO:0011897, OMIM 607694.

Allele frequency attached by ClinVar (database versions not stated): TOPMed 0.00005; gnomAD exomes 0.00013; ESP Exome Variant Server 0.00015; 1000 Genomes Project 30x 0.00016; ExAC 0.00017; 1000 Genomes Project 0.00020.
gnomAD v4.1: 185 of 1,613,944 alleles (0.011%); highest among the groups gnomAD compares: South Asian, 0.022%; no homozygotes.

Submissions (5):

CeGaT Center for Human Genetics Tuebingen
Classification: Uncertain significance. Last evaluated: 2026-08-01. Review status: criteria provided, single submitter. Criteria: CeGaT Center For Human Genetics Tuebingen Variant Classification Criteria Version 2. Collection method: clinical testing. Allele origin: germline. Affected: yes. Observed: 5 variant alleles.
Comment: POLR3A: PM2

Blueprint Genetics
Classification: Uncertain significance. Last evaluated: 2024-11-04. Review status: criteria provided, single submitter. Criteria: ACMG Guidelines, 2015. Collection method: clinical testing. Allele origin: germline.

Mayo Clinic Laboratories, Mayo Clinic
Classification: Uncertain significance. Last evaluated: 2024-03-11. Review status: criteria provided, single submitter. Criteria: ACMG Guidelines, 2015. Collection method: clinical testing. Allele origin: germline. Observed: 1 variant allele.
Comment: BP4, PM2_moderate

Labcorp Genetics (formerly Invitae), Labcorp
Classification: Uncertain significance. Last evaluated: 2023-12-07. Review status: criteria provided, single submitter. Criteria: Invitae Variant Classification Sherloc (09022015). Collection method: clinical testing. Allele origin: germline.
Comment: This sequence change replaces arginine, which is basic and polar, with histidine, which is basic and polar, at codon 998 of the POLR3A protein (p.Arg998His). This variant is present in population databases (rs139665002, gnomAD 0.03%). This missense change has been observed in individual(s) with clinical features of POLR3A-related conditions (PMID: 31069529). ClinVar contains an entry for this variant (Variation ID: 880127). Advanced modeling of protein sequence and biophysical properties (such as structural, functional, and spatial information, amino acid conservation, physicochemical variation, residue mobility, and thermodynamic stability) performed at Invitae indicates that this missense variant is not expected to disrupt POLR3A protein function with a negative predictive value of 80%. In summary, the available evidence is currently insufficient to determine the role of this variant in disease. Therefore, it has been classified as a Variant of Uncertain Significance.

Illumina Laboratory Services, Illumina
Classification: Uncertain significance for Leukodystrophy, hypomyelinating, 7, with or without oligodontia and/or hypogonadotropic hypogonadism. Last evaluated: 2018-01-12. Review status: criteria provided, single submitter. Criteria: ICSL Variant Classification Criteria 13 December 2019. Collection method: clinical testing. Allele origin: germline.

Literature cited by the submitters: PubMed 31069529 (cited by Mayo Clinic Laboratories, Mayo Clinic and Labcorp Genetics (formerly Invitae), Labcorp).